The following is an entry in ClinVar:

ClinVar aggregate classification (germline): Pathogenic/Likely pathogenic. Review status: criteria provided, multiple submitters, no conflicts (2 of 4 stars). 4 submissions from 4 submitters: Pathogenic (1); Likely pathogenic (3). Last evaluated 2026-04-14.

Conditions:
Progressive familial intrahepatic cholestasis type 2. Identifiers: Orphanet 79304, MedGen C3489789, MONDO:0011156, OMIM 601847.
Familial intrahepatic cholestasis. Identifiers: Orphanet 284385, MedGen CN296401, MONDO:0017290.

Submissions (4):

Genomenon, Inc
Classification: Likely pathogenic for Familial intrahepatic cholestasis. Last evaluated: 2026-04-14. Review status: criteria provided, single submitter. Criteria: Genomenon Sequence Variant Interpretation Standards - Updated. Collection method: curation. Allele origin: germline. Affected: yes.
Comment: ABCB11 p.Gly1004Asp (c.3011G>A) is a missense variant that changes the amino acid at residue 1004 from Glycine to Aspartic acid. This variant has been observed in at least one proband with an ABCB11-related disorder (PMID:33915153;33215027;18692205;11815775). It has been observed in trans with a pathogenic or likely pathogenic variant (PMID:33215027). At least one splicing study demonstrated no effect on splicing (PMID:19101985). It is absent or not present at a significant frequency in gnomAD. In silico models predict that this variant is possibly or probably damaging. In conclusion, we classify ABCB11 p.Gly1004Asp (c.3011G>A) as a likely pathogenic variant.

Natera, Inc.
Classification: Likely pathogenic for Progressive familial intrahepatic cholestasis type 2. Last evaluated: 2025-09-25. Review status: criteria provided, single submitter. Criteria: Natera Variant Classification Schema (03/2026). Collection method: clinical testing. Allele origin: germline.
Comment: The c.3011G>A variant in ABCB11 is a missense variant predicted to cause substitution of glycine to aspartic acid at amino acid 1004. This variant is rare in the general population with a frequency below the threshold expected for the associated phenotype(s). This variant has been observed in one or more individuals affected with the associated recessive disease, as either homozygous or compound heterozygous with a second variant (PMID: 11815775, 33915153, 18692205, 33215027). Computational prediction algorithms indicate this variant is likely to affect gene or protein function. Given the available evidence, this variant is classified as Likely Pathogenic.

Genomic Medicine Center of Excellence, King Faisal Specialist Hospital and Research Centre
Classification: Likely pathogenic for Progressive familial intrahepatic cholestasis type 2. Last evaluated: 2024-03-17. Review status: criteria provided, single submitter. Criteria: ACMG Guidelines, 2015. Collection method: research. Allele origin: germline.

Labcorp Genetics (formerly Invitae), Labcorp
Classification: Pathogenic. Last evaluated: 2024-01-04. Review status: criteria provided, single submitter. Criteria: Invitae Variant Classification Sherloc (09022015). Collection method: clinical testing. Allele origin: germline.
Comment: This sequence change replaces glycine, which is neutral and non-polar, with aspartic acid, which is acidic and polar, at codon 1004 of the ABCB11 protein (p.Gly1004Asp). This variant is not present in population databases (gnomAD no frequency). This missense change has been observed in individuals with cholestasis (PMID: 11815775, 18692205, 33915153). Advanced modeling of protein sequence and biophysical properties (such as structural, functional, and spatial information, amino acid conservation, physicochemical variation, residue mobility, and thermodynamic stability) performed at Invitae indicates that this missense variant is expected to disrupt ABCB11 protein function with a positive predictive value of 95%. For these reasons, this variant has been classified as Pathogenic.

Literature cited by the submitters: PubMed 33915153 (cited by 3 submitters); PubMed 33215027 (cited by Genomenon, Inc and Natera, Inc.); PubMed 18692205 (cited by 3 submitters); PubMed 11815775 (cited by 3 submitters); PubMed 19101985 (cited by Genomenon, Inc).

NM_003742.4(ABCB11):c.3011G>A (p.Gly1004Asp)

Gene: ABCB11 (ATP binding cassette subfamily B member 11; minus strand). Cytogenetic location: 2q31.1.
Variant type: single nucleotide variant.
Coding change: c.3011G>A on transcript NM_003742.4 (MANE Select); coding-DNA position 3011, G replaced by A.
Protein change: p.Gly1004Asp; replaces glycine 1004 with aspartic acid.
Molecular consequence: missense variant.
Genome position (GRCh38, 1-based): chr2:168,935,229, C>T on the plus strand (G>A on the coding strand, the complement: ABCB11 is on the minus strand). VCF-style: chr2-168935229-C-T. GRCh37 (hg19) VCF-style: chr2-169791739-C-T.
Other names: short protein forms G1004D.
Identifiers: ClinVar variation 2734325 (VCV002734325.7), dbSNP rs375151067, ClinGen allele CA349123408.